The following is an entry in ClinVar:

ClinVar aggregate classification (germline): Uncertain significance (1 of 4 stars; one submission).

Allele frequency attached by ClinVar (database versions not stated): gnomAD exomes below 0.00001; TOPMed below 0.00001.

Submission:

Labcorp Genetics (formerly Invitae), Labcorp
Classification: Uncertain significance. Last evaluated: 2024-05-21. Review status: criteria provided, single submitter. Criteria: Invitae Variant Classification Sherloc (09022015). Collection method: clinical testing. Allele origin: germline.
Comment: This sequence change replaces alanine, which is neutral and non-polar, with valine, which is neutral and non-polar, at codon 1354 of the FBN3 protein (p.Ala1354Val). This variant is not present in population databases (gnomAD no frequency). This variant has not been reported in the literature in individuals affected with FBN3-related conditions. ClinVar contains an entry for this variant (Variation ID: 2415136). Advanced modeling of protein sequence and biophysical properties (such as structural, functional, and spatial information, amino acid conservation, physicochemical variation, residue mobility, and thermodynamic stability) performed at Invitae indicates that this missense variant is not expected to disrupt FBN3 protein function with a negative predictive value of 80%. In summary, the available evidence is currently insufficient to determine the role of this variant in disease. Therefore, it has been classified as a Variant of Uncertain Significance.

NM_032447.5(FBN3):c.4061C>T (p.Ala1354Val)

Gene: FBN3 (fibrillin 3; minus strand). Cytogenetic location: 19p13.2.
Variant type: single nucleotide variant.
Coding change: c.4061C>T on transcript NM_032447.5 (MANE Select); coding-DNA position 4061, C replaced by T.
Protein change: p.Ala1354Val; replaces alanine 1354 with valine.
Molecular consequence: missense variant.
Genome position (GRCh38, 1-based): chr19:8,111,671, G>A on the plus strand (C>T on the coding strand, the complement: FBN3 is on the minus strand). VCF-style: chr19-8111671-G-A. GRCh37 (hg19) VCF-style: chr19-8176555-G-A.
Other names: c.4061C>T, p.Ala1354Val (NM_001321431.2); short protein forms A1354V.
Identifiers: ClinVar variation 2415136 (VCV002415136.6), dbSNP rs966153636, ClinGen allele CA304983999.